The following is an entry in ClinVar:

ClinVar aggregate classification (germline): Uncertain significance (1 of 4 stars; one submission).

gnomAD v4.1: 5 of 1,609,054 alleles (0.00031%); highest among the groups gnomAD compares: African/African-American, 0.0054%; no homozygotes.

Submission:

Mayo Clinic Laboratories, Mayo Clinic
Classification: Uncertain significance. Last evaluated: 2025-04-09. Review status: criteria provided, single submitter. Criteria: ACMG Guidelines, 2015. Collection method: clinical testing. Allele origin: germline. Observed: 1 variant allele.
Comment: BP4_moderate, PM2_supporting

NM_001267550.2(TTN):c.29698G>A (p.Val9900Ile)

Gene: TTN (titin; minus strand). Cytogenetic location: 2q31.2.
Variant type: single nucleotide variant.
Coding change: c.29698G>A on transcript NM_001267550.2 (MANE Select); coding-DNA position 29698, G replaced by A.
Protein change: p.Val9900Ile; replaces valine 9900 with isoleucine.
Molecular consequence: missense variant. On other transcripts: intron variant (3).
Genome position (GRCh38, 1-based): chr2:178,704,774, C>T on the plus strand (G>A on the coding strand, the complement: TTN is on the minus strand). VCF-style: chr2-178704774-C-T. GRCh37 (hg19) VCF-style: chr2-179569501-C-T.
Other names: p.Val9583Ile; c.28747G>A, p.Val9583Ile (NM_001256850.1); c.25966G>A, p.Val8656Ile (NM_133378.4); c.13282+33308G>A (NM_003319.4); c.13858+33308G>A (NM_133437.4); c.13657+33308G>A (NM_133432.3); short protein forms V8656I, V9900I, V9583I.
Identifiers: ClinVar variation 4540748 (VCV004540748.1).